The following is an entry in ClinVar:

ClinVar aggregate classification (germline): Conflicting classifications of pathogenicity. Review status: criteria provided, conflicting classifications (1 of 4 stars). 3 submissions from 3 submitters: Uncertain significance (1); Likely benign (1). 1 of the submissions does not count toward it. Last evaluated 2026-01-16.

Conditions:
NPC1-related disorder. Also called: NPC1-related condition.
Niemann-Pick disease, type C1. Also called: NEUROVISCERAL STORAGE DISEASE WITH VERTICAL SUPRANUCLEAR OPHTHALMOPLEGIA; NIEMANN-PICK DISEASE WITH CHOLESTEROL ESTERIFICATION BLOCK; NIEMANN-PICK DISEASE WITHOUT SPHINGOMYELINASE DEFICIENCY; NIEMANN-PICK DISEASE, CHRONIC NEURONOPATHIC FORM; NIEMANN-PICK DISEASE, VARIANT TYPE C1. Identifiers: Orphanet 646, MedGen C3179455, MONDO:0009757, OMIM 257220.

Allele frequency attached by ClinVar (database versions not stated): gnomAD exomes 0.00009; ExAC 0.00010; TOPMed 0.00010; gnomAD 0.00011.

Submissions (3):

Labcorp Genetics (formerly Invitae), Labcorp
Classification: Likely benign for Niemann-Pick disease, type C1. Last evaluated: 2026-01-16. Review status: criteria provided, single submitter. Criteria: Invitae Variant Classification Sherloc (09022015). Collection method: clinical testing. Allele origin: germline.

Eurofins Ntd Llc (ga)
Classification: Uncertain significance. Last evaluated: 2017-07-24. Review status: criteria provided, single submitter. Criteria: EGL Classification Definitions 2015. Collection method: clinical testing. Allele origin: germline. Observed: 1 variant allele, 1 heterozygote.

PreventionGenetics, part of Exact Sciences
Classification: Likely benign for NPC1-related condition. Last evaluated: 2024-06-19. Review status: no assertion criteria provided. Collection method: clinical testing. Allele origin: germline. Not counted in ClinVar's aggregate classification.
Comment: This variant is classified as likely benign based on ACMG/AMP sequence variant interpretation guidelines (Richards et al. 2015 PMID: 25741868, with internal and published modifications).

NM_000271.5(NPC1):c.3393C>T (p.Ile1131=)

Gene: NPC1 (NPC intracellular cholesterol transporter 1; minus strand). Cytogenetic location: 18q11.2.
Variant type: single nucleotide variant.
Coding change: c.3393C>T on transcript NM_000271.5 (MANE Select); coding-DNA position 3393, C replaced by T.
Protein change: p.Ile1131=; no amino-acid change (isoleucine 1131 retained).
Molecular consequence: synonymous variant.
Genome position (GRCh38, 1-based): chr18:23,535,553, G>A on the plus strand (C>T on the coding strand, the complement: NPC1 is on the minus strand). VCF-style: chr18-23535553-G-A. GRCh37 (hg19) VCF-style: chr18-21115517-G-A.
Identifiers: ClinVar variation 593422 (VCV000593422.17), dbSNP rs777356809, ClinGen allele CA8912785.